The following is an entry in ClinVar:

ClinVar aggregate classification (germline): Benign. Review status: criteria provided, multiple submitters, no conflicts (2 of 4 stars). 2 submissions from 2 submitters: Benign (2). Last evaluated 2017-04-27.

Conditions:
Intellectual developmental disorder, X-linked 93. Also called: MENTAL RETARDATION, X-LINKED, WITH MACROCEPHALY; Intellectual disability, X-linked 93. Identifiers: MedGen C1970841, MONDO:0010393, OMIM 300659.

Allele frequency attached by ClinVar (database versions not stated): gnomAD 0.26899 and 0.26102; 1000 Genomes Project 30x 0.33736; 1000 Genomes Project 0.33854; TOPMed 0.25862.

Submissions (2):

Illumina Laboratory Services, Illumina
Classification: Benign for Intellectual developmental disorder, X-linked 93. Last evaluated: 2017-04-27. Review status: criteria provided, single submitter. Criteria: ICSL Variant Classification Criteria 13 December 2019. Collection method: clinical testing. Allele origin: germline.
Comment: This variant was observed as part of a predisposition screen in an ostensibly healthy population. A literature search was performed for the gene, cDNA change, and amino acid change (where applicable). No publications were found based on this search. Allele frequency data from public databases was too high to be consistent with this variant causing disease. Therefore, this variant is classified as benign.

Breakthrough Genomics
Classification: Benign. Review status: criteria provided, single submitter. Criteria: ACMG Guidelines, 2015. Collection method: not provided. Allele origin: germline. Inheritance: X-linked inheritance. Affected: yes.

NM_153252.5(BRWD3):c.*5481A>C

Gene: BRWD3 (bromodomain and WD repeat domain containing 3; minus strand). Cytogenetic location: Xq21.1.
Variant type: single nucleotide variant.
Coding change: c.*5481A>C on transcript NM_153252.5 (MANE Select); 5481 bases downstream of the stop codon, A replaced by C.
Molecular consequence: 3 prime UTR variant.
Genome position (GRCh38, 1-based): chrX:80,671,128, T>G on the plus strand (A>C on the coding strand, the complement: BRWD3 is on the minus strand). VCF-style: chrX-80671128-T-G. GRCh37 (hg19) VCF-style: chrX-79926627-T-G.
Identifiers: ClinVar variation 368690 (VCV000368690.6), dbSNP rs12690214, ClinGen allele CA10654067.